The following is an entry in ClinVar:

ClinVar aggregate classification (germline): Uncertain significance. Review status: criteria provided, multiple submitters, no conflicts (2 of 4 stars). 2 submissions from 2 submitters: Uncertain significance (2). Last evaluated 2024-10-16.

Conditions:
Microcephaly-intellectual disability-sensorineural hearing loss-epilepsy-abnormal muscle tone syndrome (NEDHSB). Also called: NEURODEVELOPMENTAL DISORDER WITH HEARING LOSS, SEIZURES, AND BRAIN ABNORMALITIES. Identifiers: Orphanet 457351, MedGen C4225276, MONDO:0014698, OMIM 616577.

Allele frequency attached by ClinVar (database versions not stated): gnomAD exomes below 0.00001.
gnomAD v4.1: 2 of 1,614,076 alleles (0.00012%); highest among the groups gnomAD compares: Non-Finnish European, 0.00017%; no homozygotes.

Submissions (2):

Labcorp Genetics (formerly Invitae), Labcorp
Classification: Uncertain significance for Microcephaly-intellectual disability-sensorineural hearing loss-epilepsy-abnormal muscle tone syndrome. Last evaluated: 2024-10-16. Review status: criteria provided, single submitter. Criteria: Invitae Variant Classification Sherloc (09022015). Collection method: clinical testing. Allele origin: germline.
Comment: This sequence change replaces leucine, which is neutral and non-polar, with valine, which is neutral and non-polar, at codon 544 of the SPATA5 protein (p.Leu544Val). This variant is not present in population databases (gnomAD no frequency). This variant has not been reported in the literature in individuals affected with SPATA5-related conditions. ClinVar contains an entry for this variant (Variation ID: 436842). Invitae Evidence Modeling of protein sequence and biophysical properties (such as structural, functional, and spatial information, amino acid conservation, physicochemical variation, residue mobility, and thermodynamic stability) indicates that this missense variant is not expected to disrupt SPATA5 protein function with a negative predictive value of 80%. In summary, the available evidence is currently insufficient to determine the role of this variant in disease. Therefore, it has been classified as a Variant of Uncertain Significance.

Genetic Services Laboratory, University of Chicago
Classification: Uncertain significance. Last evaluated: 2017-06-20. Review status: criteria provided, single submitter. Criteria: ACMG Guidelines, 2015. Collection method: clinical testing. Allele origin: germline. Affected: no.

NM_145207.3(AFG2A):c.1630C>G (p.Leu544Val)

Gene: AFG2A (AAA ATPase AFG2A; plus strand). Cytogenetic location: 4q28.1.
Variant type: single nucleotide variant.
Coding change: c.1630C>G on transcript NM_145207.3 (MANE Select); coding-DNA position 1630, C replaced by G.
Protein change: p.Leu544Val; replaces leucine 544 with valine.
Molecular consequence: missense variant.
Genome position (GRCh38, 1-based): chr4:122,947,404, C>G. VCF-style: chr4-122947404-C-G. GRCh37 (hg19) VCF-style: chr4-123868559-C-G.
Other names: c.1627C>G, p.Leu543Val (NM_001317799.2, NM_001345856.2); short protein forms L544V, L543V.
Identifiers: ClinVar variation 436842 (VCV000436842.9), dbSNP rs1553958519, ClinGen allele CA358108381.